The following is an entry in ClinVar:

ClinVar aggregate classification (germline): Uncertain significance (1 of 4 stars; one submission).

Conditions:
Hereditary cancer-predisposing syndrome. Also called: Neoplastic Syndromes, Hereditary; Hereditary Cancer Syndrome; Tumor predisposition; Hereditary neoplastic syndrome. Identifiers: Orphanet 140162, MedGen C0027672, MeSH D009386, MONDO:0015356.

Submission:

Ambry Genetics
Classification: Uncertain significance for Hereditary cancer-predisposing syndrome. Last evaluated: 2025-04-03. Review status: criteria provided, single submitter. Criteria: Ambry Variant Classification Scheme 2023. Collection method: clinical testing. Allele origin: germline.
Comment: The p.N1659D variant (also known as c.4975A>G), located in coding exon 38 of the POLE gene, results from an A to G substitution at nucleotide position 4975. The asparagine at codon 1659 is replaced by aspartic acid, an amino acid with highly similar properties. This amino acid position is conserved. In addition, the in silico prediction for this alteration is inconclusive. Based on the available evidence, the clinical significance of this variant remains unclear.

NM_006231.4(POLE):c.4975A>G (p.Asn1659Asp)

Gene: POLE (DNA polymerase epsilon, catalytic subunit; minus strand). Cytogenetic location: 12q24.33.
Variant type: single nucleotide variant.
Coding change: c.4975A>G on transcript NM_006231.4 (MANE Select); coding-DNA position 4975, A replaced by G.
Protein change: p.Asn1659Asp; replaces asparagine 1659 with aspartic acid.
Molecular consequence: missense variant.
Genome position (GRCh38, 1-based): chr12:132,642,375, T>C on the plus strand (A>G on the coding strand, the complement: POLE is on the minus strand). VCF-style: chr12-132642375-T-C. GRCh37 (hg19) VCF-style: chr12-133218961-T-C.
Other names: short protein forms N1659D.
Identifiers: ClinVar variation 2447917 (VCV002447917.3), dbSNP rs2541884688, ClinGen allele CA387377605.